The following is an entry in ClinVar:

NM_001098511.3(KIF2A):c.669G>T (p.Arg223Ser)

Gene: KIF2A (kinesin family member 2A; plus strand). Cytogenetic location: 5q12.1.
Variant type: single nucleotide variant.
Coding change: c.669G>T on transcript NM_001098511.3 (MANE Select); coding-DNA position 669, G replaced by T.
Protein change: p.Arg223Ser; replaces arginine 223 with serine.
Molecular consequence: missense variant.
Genome position (GRCh38, 1-based): chr5:62,357,705, G>T. VCF-style: chr5-62357705-G-T. GRCh37 (hg19) VCF-style: chr5-61653532-G-T.
Other names: c.588G>T, p.Arg196Ser (NM_001243952.2); c.612G>T, p.Arg204Ser (NM_001243953.2); c.669G>T, p.Arg223Ser (NM_004520.5); short protein forms R196S, R204S, R223S.
Identifiers: ClinVar variation 3251921 (VCV003251921.1), dbSNP rs781206641.

ClinVar aggregate classification (germline): Uncertain significance (1 of 4 stars; one submission).

Allele frequency attached by ClinVar (database versions not stated): ExAC 0.00001.
gnomAD v4.1: 2 of 1,550,992 alleles (0.00013%); highest among the groups gnomAD compares: Admixed American, 0.0034%; no homozygotes.

Submission:

Women's Health and Genetics/Laboratory Corporation of America, LabCorp
Classification: Uncertain significance. Last evaluated: 2024-04-29. Review status: criteria provided, single submitter. Criteria: LabCorp Variant Classification Summary - May 2015. Collection method: clinical testing. Allele origin: germline.
Comment: Variant summary: KIF2A c.669G>T (p.Arg223Ser) results in a non-conservative amino acid change located in the Kinesin motor domain (IPR001752) of the encoded protein sequence. Four of five in-silico tools predict a damaging effect of the variant on protein function. The variant allele was found at a frequency of 8.2e-06 in 243608 control chromosomes. The available data on variant occurrences in the general population are insufficient to allow any conclusion about variant significance. To our knowledge, no occurrence of c.669G>T in individuals affected with Complex Cortical Dysplasia With Other Brain Malformations 3 and no experimental evidence demonstrating its impact on protein function have been reported. No submitters have cited clinical-significance assessments for this variant to ClinVar. Based on the evidence outlined above, the variant was classified as uncertain significance.